The following is an entry in ClinVar:

NC_000003.11:g.(?_93629453)_(93692783_?)del

Gene: PROS1 (protein S; minus strand). Cytogenetic location: 3q11.1.
Variant type: Deletion.
Identifiers: ClinVar variation 1457418 (VCV001457418.6).

ClinVar aggregate classification (germline): Pathogenic (1 of 4 stars; one submission).

Conditions:
Thrombophilia due to protein S deficiency, autosomal recessive (THPH6). Identifiers: Orphanet 743, MedGen C3281092, MONDO:0013791, OMIM 614514. Disease mechanism: loss of function.

Submission:

Labcorp Genetics (formerly Invitae), Labcorp
Classification: Pathogenic for Thrombophilia due to protein S deficiency, autosomal recessive. Last evaluated: 2021-02-18. Review status: criteria provided, single submitter. Criteria: Invitae Variant Classification Sherloc (09022015). Collection method: clinical testing. Allele origin: germline.
Comment: For these reasons, this variant has been classified as Pathogenic. This variant has been observed in individual(s) with protein S deficiency (PMID: 30669159). This variant is a gross deletion of the genomic region encompassing exon(s) 1-4 of the PROS1 gene, which includes the initiator codon. The 5' end of this event is unknown as it extends beyond the assayed region for this gene and therefore may encompass additional genes. The 3' boundary is likely confined to intron 4 of the PROS1 gene. It is expected to result in an absent or disrupted protein product. Loss-of-function variants in PROS1 are known to be pathogenic (PMID: 9241758).

Literature cited by the submitters: PubMed 30669159; PubMed 9241758.